The following is an entry in ClinVar:

ClinVar aggregate classification (germline): Uncertain significance (1 of 4 stars; one submission).

Conditions:
Developmental and epileptic encephalopathy, 27 (DEE27). Also called: GRIN2B-Related Neurodevelopmental Disorder; Epileptic encephalopathy, early infantile, 27. Identifiers: Orphanet 3451, MedGen C4015316, MONDO:0014505, OMIM 616139.
Intellectual developmental disorder, autosomal dominant 6, with or without seizures. Also called: Intellectual disability, autosomal dominant 6; GRIN2B-related developmental delay, intellectual disability and autism spectrum disorder. Identifiers: Orphanet 589547, MedGen C3151411, MONDO:0013509, OMIM 613970.

Submission:

Labcorp Genetics (formerly Invitae), Labcorp
Classification: Uncertain significance for Developmental and epileptic encephalopathy, 27; Intellectual developmental disorder, autosomal dominant 6, with or without seizures. Last evaluated: 2020-02-12. Review status: criteria provided, single submitter. Criteria: Invitae Variant Classification Sherloc (09022015). Collection method: clinical testing. Allele origin: germline.
Comment: This sequence change replaces alanine with threonine at codon 414 of the GRIN2B protein (p.Ala414Thr). The alanine residue is highly conserved and there is a small physicochemical difference between alanine and threonine. This variant is not present in population databases (ExAC no frequency). This variant has not been reported in the literature in individuals with GRIN2B-related conditions. Algorithms developed to predict the effect of missense changes on protein structure and function are either unavailable or do not agree on the potential impact of this missense change (SIFT: "Deleterious"; PolyPhen-2: "Probably Damaging"; Align-GVGD: "Class C0"). In summary, the available evidence is currently insufficient to determine the role of this variant in disease. Therefore, it has been classified as a Variant of Uncertain Significance.

NM_000834.5(GRIN2B):c.1240G>A (p.Ala414Thr)

Gene: GRIN2B (glutamate ionotropic receptor NMDA type subunit 2B; minus strand). Cytogenetic location: 12p13.1.
Variant type: single nucleotide variant.
Coding change: c.1240G>A on transcript NM_000834.5 (MANE Select); coding-DNA position 1240, G replaced by A.
Protein change: p.Ala414Thr; replaces alanine 414 with threonine.
Molecular consequence: missense variant.
Genome position (GRCh38, 1-based): chr12:13,616,543, C>T on the plus strand (G>A on the coding strand, the complement: GRIN2B is on the minus strand). VCF-style: chr12-13616543-C-T. GRCh37 (hg19) VCF-style: chr12-13769477-C-T.
Other names: short protein forms A414T.
Identifiers: ClinVar variation 1006543 (VCV001006543.11), dbSNP rs1949443718, ClinGen allele CA384052636.